The following is an entry in ClinVar:

ClinVar aggregate classification (germline): Likely benign. Review status: criteria provided, single submitter (1 of 4 stars). 2 submissions from 2 submitters: Likely benign (1). 1 of the submissions does not count toward it. Last evaluated 2025-04-04.

Conditions:
SETD2-related disorder.
Luscan-Lumish syndrome. Identifiers: Orphanet 597738, MedGen C4085873, MONDO:0014791, OMIM 616831.

Allele frequency attached by ClinVar (database versions not stated): gnomAD exomes below 0.00001; ExAC 0.00001; gnomAD 0.00001; TOPMed 0.00001.
gnomAD v4.1: 8 of 1,614,128 alleles (0.0005%); highest among the groups gnomAD compares: Non-Finnish European, 0.00059%; no homozygotes.

Submissions (2):

Labcorp Genetics (formerly Invitae), Labcorp
Classification: Likely benign for Luscan-Lumish syndrome. Last evaluated: 2025-04-04. Review status: criteria provided, single submitter. Criteria: Invitae Variant Classification Sherloc (09022015). Collection method: clinical testing. Allele origin: germline.

PreventionGenetics, part of Exact Sciences
Classification: Likely benign for SETD2-related condition. Last evaluated: 2022-06-08. Review status: no assertion criteria provided. Collection method: clinical testing. Allele origin: germline. Not counted in ClinVar's aggregate classification.
Comment: This variant is classified as likely benign based on ACMG/AMP sequence variant interpretation guidelines (Richards et al. 2015 PMID: 25741868, with internal and published modifications).

NM_014159.7(SETD2):c.6843T>C (p.Ser2281=)

Gene: SETD2 (SET domain containing 2, histone lysine methyltransferase; minus strand). Cytogenetic location: 3p21.31.
Variant type: single nucleotide variant.
Coding change: c.6843T>C on transcript NM_014159.7 (MANE Select); coding-DNA position 6843, T replaced by C.
Protein change: p.Ser2281=; no amino-acid change (serine 2281 retained).
Molecular consequence: synonymous variant. On other transcripts: non-coding transcript variant (1).
Genome position (GRCh38, 1-based): chr3:47,056,941, A>G on the plus strand (T>C on the coding strand, the complement: SETD2 is on the minus strand). VCF-style: chr3-47056941-A-G. GRCh37 (hg19) VCF-style: chr3-47098431-A-G.
Other names: c.6711T>C, p.Ser2237= (NM_001349370.3).
Identifiers: ClinVar variation 3030299 (VCV003030299.3), dbSNP rs778947906, ClinGen allele CA2362655.
Genomic context (GRCh38, chr3:47,056,941, plus strand): 5'-TGTCTGTCCTTGATAATATATGGTTGCTTGAGACTGTGCAGGAGAGTACTGCTGCTGTAC[A>G]CTGACAGACTGTTGGTTTGAATCCCAAACACTATAATTCTGTCCCTGAACTGGGCCGGGG-3'
Protein context (NP_054878.5, residues 2271-2291): SVWDSNQQSV[Ser2281=]VQQQYSPAQS